The following is an entry in ClinVar:

ClinVar aggregate classification (germline): Uncertain significance (1 of 4 stars; one submission).

Submission:

GeneDx
Classification: Uncertain significance. Last evaluated: 2021-05-24. Review status: criteria provided, single submitter. Criteria: GeneDx Variant Classification Process June 2021. Collection method: clinical testing. Allele origin: germline. Affected: yes.
Comment: Not observed at significant frequency in large population cohorts (Lek et al., 2016); In silico analysis supports that this missense variant has a deleterious effect on protein structure/function; Has not been previously published as pathogenic or benign to our knowledge; In-silico analysis, which includes splice predictors and evolutionary conservation, is inconclusive as to whether the variant alters gene splicing. In the absence of RNA/functional studies, the actual effect of this sequence change is unknown.

NM_001042517.2(DIAPH3):c.2920A>G (p.Met974Val)

Gene: DIAPH3 (diaphanous related formin 3; minus strand). Cytogenetic location: 13q21.2.
Variant type: single nucleotide variant.
Coding change: c.2920A>G on transcript NM_001042517.2 (MANE Select); coding-DNA position 2920, A replaced by G.
Protein change: p.Met974Val; replaces methionine 974 with valine.
Molecular consequence: missense variant.
Genome position (GRCh38, 1-based): chr13:59,833,214, T>C on the plus strand (A>G on the coding strand, the complement: DIAPH3 is on the minus strand). VCF-style: chr13-59833214-T-C. GRCh37 (hg19) VCF-style: chr13-60407348-T-C.
Other names: c.2887A>G, p.Met963Val (NM_001258366.2); c.2782A>G, p.Met928Val (NM_001258367.2); c.2710A>G, p.Met904Val (NM_001258368.2); c.2920A>G, p.Met974Val (NM_001258369.2); c.2131A>G, p.Met711Val (NM_030932.4); short protein forms M711V, M904V, M928V, M963V, M974V.
Identifiers: ClinVar variation 1327703 (VCV001327703.2), dbSNP rs2139723667, ClinGen allele CA388327721.
Genomic context (GRCh38, chr13:59,833,214, plus strand): 5'-CAGACACCTTCTTCACATCAATGGCATAGTATCCTATTATACTCTGGTATAACTTTTCCA[T>C]GTTTTCGTGTAACTTCGAAAGTGTCTCATATTGTTCTTTTGCACTGATAACAAATCTGTA-3'
Protein context (NP_001035982.1, residues 964-984): YETLSKLHEN[Met974Val]EKLYQSIIGY